The following is an entry in ClinVar:

NM_058216.3(RAD51C):c.253T>G (p.Cys85Gly)

Gene: RAD51C (RAD51 paralog C; plus strand). Cytogenetic location: 17q22.
Variant type: single nucleotide variant.
Coding change: c.253T>G on transcript NM_058216.3 (MANE Select); coding-DNA position 253, T replaced by G.
Protein change: p.Cys85Gly; replaces cysteine 85 with glycine.
Molecular consequence: missense variant. On other transcripts: non-coding transcript variant (2).
Genome position (GRCh38, 1-based): chr17:58,695,038, T>G. VCF-style: chr17-58695038-T-G. GRCh37 (hg19) VCF-style: chr17-56772399-T-G.
Other names: c.253T>G (NM_058216.1); c.253T>G, p.Cys85Gly (NM_002876.4); short protein forms C85G.
Identifiers: ClinVar variation 409853 (VCV000409853.15), dbSNP rs1060502595, ClinGen allele CA16615443.
Genomic context (GRCh38, chr17:58,695,038, plus strand): 5'-AGAAGAGAATGTCTCACAAATAAACCAAGATATGCTGGTACATCTGAGTCACACAAGAAG[T>G]GTACAGCACTGGAACTTCTTGAGCAGGAGCATACCCAGGGCTTCATAATCACCTTCTGTT-3'
Protein context (NP_478123.1, residues 75-95): YAGTSESHKK[Cys85Gly]TALELLEQEH

ClinVar aggregate classification (germline): Conflicting classifications of pathogenicity. Review status: criteria provided, conflicting classifications (1 of 4 stars). 3 submissions from 3 submitters: Uncertain significance (2); Benign (1). Last evaluated 2025-12-30.

Conditions:
Fanconi anemia complementation group O. Also called: RAD51C-Related Fanconi Anemia. Identifiers: Orphanet 84, MedGen C3150653, MONDO:0013248, OMIM 613390.
Hereditary cancer-predisposing syndrome. Also called: Neoplastic Syndromes, Hereditary; Tumor predisposition; Hereditary neoplastic syndrome; Hereditary Cancer Syndrome. Identifiers: Orphanet 140162, MedGen C0027672, MeSH D009386, MONDO:0015356.

Allele frequency attached by ClinVar (database versions not stated): gnomAD exomes below 0.00001.
gnomAD v4.1: 3 of 1,614,006 alleles (0.00019%); highest among the groups gnomAD compares: East Asian, 0.0067%; no homozygotes.

Submissions (3):

Ambry Genetics
Classification: Benign for Hereditary cancer-predisposing syndrome. Last evaluated: 2025-12-30. Review status: criteria provided, single submitter. Criteria: Ambry Variant Classification Scheme 2023. Collection method: clinical testing. Allele origin: germline.

Labcorp Genetics (formerly Invitae), Labcorp
Classification: Uncertain significance for Fanconi anemia complementation group O. Last evaluated: 2025-12-23. Review status: criteria provided, single submitter. Criteria: Invitae Variant Classification Sherloc (09022015). Collection method: clinical testing. Allele origin: germline.
Comment: This sequence change replaces cysteine, which is neutral and slightly polar, with glycine, which is neutral and non-polar, at codon 85 of the RAD51C protein (p.Cys85Gly). This variant is present in population databases (no rsID available, gnomAD 0.006%). This missense change has been observed in individual(s) with breast cancer (PMID: 36562461). ClinVar contains an entry for this variant (Variation ID: 409853). Invitae Evidence Modeling of protein sequence and biophysical properties (such as structural, functional, and spatial information, amino acid conservation, physicochemical variation, residue mobility, and thermodynamic stability) indicates that this missense variant is not expected to disrupt RAD51C protein function with a negative predictive value of 80%. Experimental studies have shown that this missense change does not substantially affect RAD51C function (PMID: 36562461). In summary, the available evidence is currently insufficient to determine the role of this variant in disease. Therefore, it has been classified as a Variant of Uncertain Significance.

Color Diagnostics, LLC DBA Color Health
Classification: Uncertain significance for Hereditary cancer-predisposing syndrome. Last evaluated: 2023-12-05. Review status: criteria provided, single submitter. Criteria: ACMG Guidelines, 2015. Collection method: clinical testing. Allele origin: germline.
Comment: This missense variant replaces cysteine with glycine at codon 85 of the RAD51C protein. Computational prediction suggests that this variant may not impact protein structure and function (internally defined REVEL score threshold <= 0.5, PMID: 27666373). To our knowledge, functional studies have not been reported for this variant. This variant has not been reported in individuals affected with RAD51C-related disorders in the literature. This variant has been identified in 1/251464 chromosomes in the general population by the Genome Aggregation Database (gnomAD). The available evidence is insufficient to determine the role of this variant in disease conclusively. Therefore, this variant is classified as a Variant of Uncertain Significance.

Literature cited by the submitters: PubMed 36562461 (cited by Labcorp Genetics (formerly Invitae), Labcorp).